The following is an entry in ClinVar:

NM_001020658.2(PUM1):c.1303C>T (p.Pro435Ser)

Gene: PUM1 (pumilio RNA binding family member 1; minus strand). Cytogenetic location: 1p35.2.
Variant type: single nucleotide variant.
Coding change: c.1303C>T on transcript NM_001020658.2 (MANE Select); coding-DNA position 1303, C replaced by T.
Protein change: p.Pro435Ser; replaces proline 435 with serine.
Molecular consequence: missense variant.
Genome position (GRCh38, 1-based): chr1:30,980,113, G>A on the plus strand (C>T on the coding strand, the complement: PUM1 is on the minus strand). VCF-style: chr1-30980113-G-A. GRCh37 (hg19) VCF-style: chr1-31452960-G-A.
Other names: c.1303C>T, p.Pro435Ser (NM_014676.3); short protein forms P435S.
Identifiers: ClinVar variation 2628829 (VCV002628829.2), dbSNP rs1171739409, ClinGen allele CA339567664.
Genomic context (GRCh38, chr1:30,980,113, plus strand): 5'-ATGTCTCACCTAGTGTCGCTGCTGCAGCCAATCCAGCTGTGTAGGGGTCCGTCCCTGGGG[G>A]AGCAGCGCTGATGATGTATGGATTGGGGACAAACGCAGCGGGAGCTAAACCTGCTGAAAA-3'
Protein context (NP_001018494.1, residues 425-445): VPNPYIISAA[Pro435Ser]PGTDPYTAGL

ClinVar aggregate classification (germline): Uncertain significance. Review status: criteria provided, multiple submitters, no conflicts (2 of 4 stars). 2 submissions from 2 submitters: Uncertain significance (2). Last evaluated 2025-10-07.

Conditions:
Inborn genetic diseases. Identifiers: MedGen C0950123, MeSH D030342.
PUM1-related disorder. Also called: PUM1-related condition; PUM1-related disorders.

Allele frequency attached by ClinVar (database versions not stated): gnomAD 0.00001.
gnomAD v4.1: 4 of 1,613,886 alleles (0.00025%); highest among the groups gnomAD compares: South Asian, 0.0011%; no homozygotes.

Submissions (2):

Ambry Genetics
Classification: Uncertain significance for Inborn genetic diseases. Last evaluated: 2025-10-07. Review status: criteria provided, single submitter. Criteria: Ambry Variant Classification Scheme 2023. Collection method: clinical testing. Allele origin: germline.

PreventionGenetics, part of Exact Sciences
Classification: Uncertain significance for PUM1-related condition. Last evaluated: 2023-09-17. Review status: criteria provided, single submitter. Criteria: ACMG Guidelines, 2015. Collection method: clinical testing. Allele origin: germline.
Comment: The PUM1 c.1303C>T variant is predicted to result in the amino acid substitution p.Pro435Ser. To our knowledge, this variant has not been reported in the literature. This variant is reported in 0.0033% of alleles in individuals of South Asian descent in gnomAD. At this time, the clinical significance of this variant is uncertain due to the absence of conclusive functional and genetic evidence.